The following is an entry in ClinVar:

NM_032043.3(BRIP1):c.1082A>T (p.Asp361Val)

Gene: BRIP1 (BRCA1 interacting DNA helicase 1; minus strand). Cytogenetic location: 17q23.2.
Variant type: single nucleotide variant.
Coding change: c.1082A>T on transcript NM_032043.3 (MANE Select); coding-DNA position 1082, A replaced by T.
Protein change: p.Asp361Val; replaces aspartic acid 361 with valine.
Molecular consequence: missense variant.
Genome position (GRCh38, 1-based): chr17:61,801,311, T>A on the plus strand (A>T on the coding strand, the complement: BRIP1 is on the minus strand). VCF-style: chr17-61801311-T-A. GRCh37 (hg19) VCF-style: chr17-59878672-T-A.
Other names: short protein forms D361V.
Identifiers: ClinVar variation 5033462 (VCV005033462.1).
Genomic context (GRCh38, chr17:61,801,311, plus strand): 5'-ACACTTTCCCTTATTTGTGCATCTAGAAGATAGTTGTAGGGACAAAATATGATGTCAGCA[T>A]CTTGTATTAGTTCTCGGGCTGTGTAATATGGACAGGCCTTTAGTTTCTTCCCCAGGCTGA-3'
Protein context (NP_114432.2, residues 351-371): PYYTARELIQ[Asp361Val]ADIIFCPYNY

ClinVar aggregate classification (germline): Uncertain significance (1 of 4 stars; one submission).

Conditions:
Hereditary cancer-predisposing syndrome. Also called: Neoplastic Syndromes, Hereditary; Tumor predisposition; Hereditary neoplastic syndrome; Hereditary Cancer Syndrome. Identifiers: Orphanet 140162, MedGen C0027672, MeSH D009386, MONDO:0015356.

Submission:

Ambry Genetics
Classification: Uncertain significance for Hereditary cancer-predisposing syndrome. Last evaluated: 2026-08-31. Review status: criteria provided, single submitter. Criteria: Ambry Variant Classification Scheme 2023. Collection method: clinical testing. Allele origin: germline.
Comment: The p.D361V variant (also known as c.1082A>T), located in coding exon 7 of the BRIP1 gene, results from an A to T substitution at nucleotide position 1082. The aspartic acid at codon 361 is replaced by valine, an amino acid with highly dissimilar properties. This amino acid position is conserved. In addition, this alteration is predicted to be tolerated by in silico analysis. Based on the available evidence, the clinical significance of this variant remains unclear.